The following is an entry in ClinVar:

NM_000135.4(FANCA):c.3986G>A (p.Arg1329Lys)

Genes: FANCA (FA complementation group A; minus strand), ZNF276 (zinc finger protein 276; plus strand). Cytogenetic location: 16q24.3.
Variant type: single nucleotide variant.
Coding change: c.3986G>A on transcript NM_000135.4 (MANE Select); coding-DNA position 3986, G replaced by A.
Protein change: p.Arg1329Lys; replaces arginine 1329 with lysine.
Molecular consequence: missense variant. On other transcripts: 3 prime UTR variant (2), non-coding transcript variant (4).
Genome position (GRCh38, 1-based): chr16:89,739,502, C>T on the plus strand (G>A on the coding strand, the complement: FANCA is on the minus strand). VCF-style: chr16-89739502-C-T. GRCh37 (hg19) VCF-style: chr16-89805910-C-T.
Other names: c.3986G>A, p.Arg1329Lys (NM_001286167.3); c.*1256C>T (NM_001113525.2, NM_152287.4); short protein forms R1329K.
Identifiers: ClinVar variation 3848071 (VCV003848071.1).

ClinVar aggregate classification (germline): Uncertain significance (1 of 4 stars; one submission).

Conditions:
Inborn genetic diseases. Identifiers: MedGen C0950123, MeSH D030342.

gnomAD v4.1: 3 of 1,551,384 alleles (0.00019%); highest among the groups gnomAD compares: South Asian, 0.0012%; no homozygotes.

Submission:

Ambry Genetics
Classification: Uncertain significance for Inborn genetic diseases. Last evaluated: 2025-01-02. Review status: criteria provided, single submitter. Criteria: Ambry Variant Classification Scheme 2023. Collection method: clinical testing. Allele origin: germline.
Comment: The p.R1329K variant (also known as c.3986G>A), located in coding exon 40 of the FANCA gene, results from a G to A substitution at nucleotide position 3986. The arginine at codon 1329 is replaced by lysine, an amino acid with highly similar properties. This amino acid position is conserved. In addition, the in silico prediction for this alteration is inconclusive. Based on the available evidence, the clinical significance of this variant remains unclear.